The following is an entry in ClinVar:

NM_000147.5(FUCA1):c.385G>T (p.Ala129Ser)

Genes: FUCA1 (alpha-L-fucosidase 1; minus strand), LOC129929685 (ATAC-STARR-seq lymphoblastoid silent region 427; plus strand). Cytogenetic location: 1p36.11.
Variant type: single nucleotide variant.
Coding change: c.385G>T on transcript NM_000147.5 (MANE Select); coding-DNA position 385, G replaced by T.
Protein change: p.Ala129Ser; replaces alanine 129 with serine.
Molecular consequence: missense variant. On other transcripts: non-coding transcript variant (4).
Genome position (GRCh38, 1-based): chr1:23,867,902, C>A on the plus strand (G>T on the coding strand, the complement: FUCA1 is on the minus strand). VCF-style: chr1-23867902-C-A. GRCh37 (hg19) VCF-style: chr1-24194392-C-A.
Other names: short protein forms A129S.
Identifiers: ClinVar variation 2128657 (VCV002128657.4), dbSNP rs765520069, ClinGen allele CA686569.
Genomic context (GRCh38, chr1:23,867,902, plus strand): 5'-CCTCCTGTTTGCCGCCCGAGCCGGGAAGGGGCGCCGCTCCCCGGGACCACACTCACTTGG[C>A]GCCCGCGGCCTGGAAGAGGTCGGCCCACTCCTCCGGGTGGAAGAAGCGCGCAGTGAACTG-3'
Protein context (NP_000138.2, residues 119-139): EWADLFQAAG[Ala129Ser]KYVVLTTKHH

ClinVar aggregate classification (germline): Uncertain significance (1 of 4 stars; one submission).

Conditions:
Fucosidosis. Also called: ALPHA-L-FUCOSIDASE DEFICIENCY. Identifiers: Orphanet 349, MedGen C0016788, MONDO:0009254, OMIM 230000.

Allele frequency attached by ClinVar (database versions not stated): gnomAD 0.00001; gnomAD exomes 0.00001; ExAC 0.00009.
gnomAD v4.1: 8 of 1,547,298 alleles (0.00052%); highest among the groups gnomAD compares: South Asian, 0.0095%; no homozygotes.

Submission:

Labcorp Genetics (formerly Invitae), Labcorp
Classification: Uncertain significance for Fucosidosis. Last evaluated: 2023-12-11. Review status: criteria provided, single submitter. Criteria: Invitae Variant Classification Sherloc (09022015). Collection method: clinical testing. Allele origin: germline.
Comment: This sequence change replaces alanine, which is neutral and non-polar, with serine, which is neutral and polar, at codon 129 of the FUCA1 protein (p.Ala129Ser). This variant is present in population databases (rs765520069, gnomAD 0.009%). This variant has not been reported in the literature in individuals affected with FUCA1-related conditions. ClinVar contains an entry for this variant (Variation ID: 2128657). Advanced modeling of protein sequence and biophysical properties (such as structural, functional, and spatial information, amino acid conservation, physicochemical variation, residue mobility, and thermodynamic stability) performed at Invitae indicates that this missense variant is expected to disrupt FUCA1 protein function with a positive predictive value of 80%. In summary, the available evidence is currently insufficient to determine the role of this variant in disease. Therefore, it has been classified as a Variant of Uncertain Significance.